The following is an entry in ClinVar:

NM_020821.3(VPS13C):c.6636G>C (p.Val2212=)

Gene: VPS13C (vacuolar protein sorting 13 homolog C; minus strand). Cytogenetic location: 15q22.2.
Variant type: single nucleotide variant.
Coding change: c.6636G>C on transcript NM_020821.3 (MANE Select); coding-DNA position 6636, G replaced by C.
Protein change: p.Val2212=; no amino-acid change (valine 2212 retained).
Molecular consequence: synonymous variant.
Genome position (GRCh38, 1-based): chr15:61,922,736, C>G on the plus strand (G>C on the coding strand, the complement: VPS13C is on the minus strand). VCF-style: chr15-61922736-C-G. GRCh37 (hg19) VCF-style: chr15-62214935-C-G.
Other names: c.6636G>C (NM_020821.2); c.6636G>C, p.Val2212= (NM_001018088.3); c.6507G>C, p.Val2169= (NM_017684.5, NM_018080.4).
Identifiers: ClinVar variation 1576976 (VCV001576976.10), dbSNP rs778103115, ClinGen allele CA7595483.

ClinVar aggregate classification (germline): Likely benign. Review status: criteria provided, single submitter (1 of 4 stars). 2 submissions from 2 submitters: Likely benign (1). 1 of the submissions does not count toward it. Last evaluated 2024-05-01.

Conditions:
VPS13C-related disorder. Also called: VPS13C-related condition.

Allele frequency attached by ClinVar (database versions not stated): ExAC 0.00003; gnomAD exomes 0.00006; TOPMed 0.00008; gnomAD 0.00009.
gnomAD v4.1: 106 of 1,606,660 alleles (0.0066%); highest among the groups gnomAD compares: Middle Eastern, 0.23%; no homozygotes.

Submissions (2):

Labcorp Genetics (formerly Invitae), Labcorp
Classification: Likely benign. Last evaluated: 2024-05-01. Review status: criteria provided, single submitter. Criteria: Invitae Variant Classification Sherloc (09022015). Collection method: clinical testing. Allele origin: germline.

PreventionGenetics, part of Exact Sciences
Classification: Likely benign for VPS13C-related condition. Last evaluated: 2019-05-09. Review status: no assertion criteria provided. Collection method: clinical testing. Allele origin: germline. Not counted in ClinVar's aggregate classification.
Comment: This variant is classified as likely benign based on ACMG/AMP sequence variant interpretation guidelines (Richards et al. 2015 PMID: 25741868, with internal and published modifications).